The following is an entry in ClinVar:

ClinVar aggregate classification (germline): Uncertain significance. Review status: criteria provided, multiple submitters, no conflicts (2 of 4 stars). 2 submissions from 2 submitters: Uncertain significance (2). Last evaluated 2024-09-15.

Conditions:
DICER1-related tumor predisposition. Also called: DICER1 syndrome; DICER1-related pleuropulmonary blastoma cancer predisposition syndrome. Identifiers: Orphanet 284343, MedGen C3839822, MONDO:0100216.
Hereditary cancer-predisposing syndrome. Also called: Tumor predisposition; Hereditary neoplastic syndrome; Neoplastic Syndromes, Hereditary; Hereditary Cancer Syndrome. Identifiers: Orphanet 140162, MedGen C0027672, MeSH D009386, MONDO:0015356.

Allele frequency attached by ClinVar (database versions not stated): gnomAD exomes below 0.00001.
gnomAD v4.1: 1 of 1,614,202 alleles (0.000062%); no homozygotes.

Submissions (2):

Ambry Genetics
Classification: Uncertain significance for Hereditary cancer-predisposing syndrome. Last evaluated: 2024-09-15. Review status: criteria provided, single submitter. Criteria: Ambry Variant Classification Scheme 2023. Collection method: clinical testing. Allele origin: germline.
Comment: The p.Y1345C variant (also known as c.4034A>G), located in coding exon 20 of the DICER1 gene, results from an A to G substitution at nucleotide position 4034. The tyrosine at codon 1345 is replaced by cysteine, an amino acid with highly dissimilar properties. This amino acid position is conserved. In addition, this alteration is predicted to be deleterious by in silico analysis. Based on the available evidence, the clinical significance of this variant remains unclear.

Labcorp Genetics (formerly Invitae), Labcorp
Classification: Uncertain significance for DICER1-related tumor predisposition. Last evaluated: 2024-02-13. Review status: criteria provided, single submitter. Criteria: Invitae Variant Classification Sherloc (09022015). Collection method: clinical testing. Allele origin: germline.
Comment: This sequence change replaces tyrosine, which is neutral and polar, with cysteine, which is neutral and slightly polar, at codon 1345 of the DICER1 protein (p.Tyr1345Cys). This variant is not present in population databases (gnomAD no frequency). This variant has not been reported in the literature in individuals affected with DICER1-related conditions. ClinVar contains an entry for this variant (Variation ID: 1495233). Advanced modeling of protein sequence and biophysical properties (such as structural, functional, and spatial information, amino acid conservation, physicochemical variation, residue mobility, and thermodynamic stability) performed at Invitae indicates that this missense variant is expected to disrupt DICER1 protein function with a positive predictive value of 80%. In summary, the available evidence is currently insufficient to determine the role of this variant in disease. Therefore, it has been classified as a Variant of Uncertain Significance.

NM_177438.3(DICER1):c.4034A>G (p.Tyr1345Cys)

Gene: DICER1 (dicer 1, ribonuclease III; minus strand). Cytogenetic location: 14q32.13.
Variant type: single nucleotide variant.
Coding change: c.4034A>G on transcript NM_177438.3 (MANE Select); coding-DNA position 4034, A replaced by G.
Protein change: p.Tyr1345Cys; replaces tyrosine 1345 with cysteine.
Molecular consequence: missense variant.
Genome position (GRCh38, 1-based): chr14:95,103,362, T>C on the plus strand (A>G on the coding strand, the complement: DICER1 is on the minus strand). VCF-style: chr14-95103362-T-C. GRCh37 (hg19) VCF-style: chr14-95569699-T-C.
Other names: c.4034A>G (NM_177438.2); c.4034A>G, p.Tyr1345Cys (NM_001195573.1, NM_001271282.3, NM_001291628.2 and 1 more transcripts); short protein forms Y1345C.
Identifiers: ClinVar variation 1495233 (VCV001495233.8), dbSNP rs2139953775, ClinGen allele CA390872912.
Genomic context (GRCh38, chr14:95,103,362, plus strand): 5'-ACACTGAATAATTAACTGCTCAAAATAAAAAAATCATCTCTTACCTTTTTGCTTCTCATA[T>C]ATGAAAGGCGGCCCTCATGCGCATCAGGGTAAGTGCAAAATAGATATGTGGTGATGGCAT-3'
Protein context (NP_803187.1, residues 1335-1355): YPDAHEGRLS[Tyr1345Cys]MRSKKVSNCN